The following is an entry in ClinVar:

NM_018063.5(HELLS):c.371-5dup

Gene: HELLS (helicase, lymphoid specific; plus strand). Cytogenetic location: 10q23.33.
Variant type: Duplication.
Coding change: c.371-5dup on transcript NM_018063.5 (MANE Select); 5 bases into the intron before coding-DNA position 371, one base duplicated (T; older notation c.371-5dupT).
Molecular consequence: intron variant.
Genome position (GRCh38, 1-based): chr10:94,562,807, T duplicated; the last of 9 consecutive T bases (chr10:94,562,799-94,562,807); duplicating any one gives the same sequence. VCF-style (leftmost placement, unchanged base first): chr10-94562798-A-AT. GRCh37 (hg19) VCF-style: chr10-96322555-A-AT.
Other names: c.371-5dupT (NM_018063.4); c.-2-5dup (NM_001289071.2); c.371-5dup (NM_001289067.2, NM_001289070.2, NM_001289069.2 and 1 more transcripts); c.-651-5dup (NM_001289075.2); c.-632-5dup (NM_001289074.2); c.21+80dup (NM_001289073.2); c.323-5dup (NM_001289068.2).
Identifiers: ClinVar variation 1560107 (VCV001560107.11), dbSNP rs746750149, ClinGen allele CA5615261.
Genomic context (GRCh38, chr10:94,562,798, plus strand): 5'-TTATTCTAGTTTTGAAGAATATGCGTTTATATTTCTATTTTAATTGCTATCAAAAATAAA[A>AT]TTTTTTTTTATAGTTATGAGGAAAAAAAGAGGAAGAGAAGATGAATCATACAATATTTCA-3'

ClinVar aggregate classification (germline): Benign/Likely benign. Review status: criteria provided, multiple submitters, no conflicts (2 of 4 stars). 3 submissions from 3 submitters: Benign (1); Likely benign (1). 1 of the submissions does not count toward it. Last evaluated 2026-01-08.

Conditions:
HELLS-related disorder. Also called: HELLS-related condition.

Submissions (3):

Labcorp Genetics (formerly Invitae), Labcorp
Classification: Benign. Last evaluated: 2026-01-08. Review status: criteria provided, single submitter. Criteria: Invitae Variant Classification Sherloc (09022015). Collection method: clinical testing. Allele origin: germline.

Blueprint Genetics
Classification: Likely benign. Last evaluated: 2024-10-21. Review status: criteria provided, single submitter. Criteria: ACMG Guidelines, 2015. Collection method: clinical testing. Allele origin: germline.

PreventionGenetics, part of Exact Sciences
Classification: Likely benign for HELLS-related condition. Last evaluated: 2019-10-28. Review status: no assertion criteria provided. Collection method: clinical testing. Allele origin: germline. Not counted in ClinVar's aggregate classification.
Comment: This variant is classified as likely benign based on ACMG/AMP sequence variant interpretation guidelines (Richards et al. 2015 PMID: 25741868, with internal and published modifications).